The following is an entry in ClinVar:

NM_032383.5(HPS3):c.1682_1683del (p.Cys561fs)

Gene: HPS3 (HPS3 biogenesis of lysosomal organelles complex 2 subunit 1; plus strand). Cytogenetic location: 3q24.
Variant type: Deletion.
Coding change: c.1682_1683del on transcript NM_032383.5 (MANE Select); coding-DNA positions 1682 to 1683, 2 bases deleted (GT; older notation c.1682_1683delGT).
Protein change: p.Cys561fs; shifts the reading frame from cysteine 561.
Molecular consequence: frameshift variant.
Genome position (GRCh38, 1-based): chr3:149,157,522-149,157,523, GT deleted; deleting any 2 consecutive bases within chr3:149,157,521-149,157,523 gives the same sequence; the c. name uses the placement nearest the transcript's 3' end. VCF-style (leftmost placement, unchanged base first): chr3-149157520-CTG-C. GRCh37 (hg19) VCF-style: chr3-148875307-CTG-C.
Other names: c.1187_1188del, p.Cys396fs (NM_001308258.2); c.1682_1683delGT (NM_032383.5); short protein forms C396fs, C561fs.
Identifiers: ClinVar variation 662551 (VCV000662551.11), dbSNP rs778152054, ClinGen allele CA2660145.

ClinVar aggregate classification (germline): Pathogenic/Likely pathogenic. Review status: criteria provided, multiple submitters, no conflicts (2 of 4 stars). 5 submissions from 5 submitters: Pathogenic (2); Likely pathogenic (3). Last evaluated 2025-10-30.

Conditions:
Hermansky-Pudlak syndrome (HPS). Also called: ALBINISM WITH HEMORRHAGIC DIATHESIS AND PIGMENTED RETICULOENDOTHELIAL CELLS. Identifiers: Orphanet 79430, MedGen C0079504, MONDO:0019312.
Hermansky-Pudlak syndrome 3 (HPS3). Identifiers: Orphanet 231512, Orphanet 79430, MedGen C3888001, MONDO:0013555, OMIM 614072.

Submissions (5):

Natera, Inc.
Classification: Likely pathogenic for Hermansky-Pudlak syndrome. Last evaluated: 2025-10-30. Review status: criteria provided, single submitter. Criteria: Natera Variant Classification Schema (03/2026). Collection method: clinical testing. Allele origin: germline.
Comment: The c.1682_1683delGT variant in HPS3 is a frameshift variant predicted to shift the reading frame beginning at codon 561 and leads to a stop codon 5 codons downstream. This variant is expected to result in nonsense mediated decay, truncation, or a dysfunctional protein product. This variant is rare in the general population with a frequency below the threshold expected for the associated phenotype(s). Given the available evidence, this variant is classified as Likely Pathogenic.

Labcorp Genetics (formerly Invitae), Labcorp
Classification: Pathogenic. Last evaluated: 2025-08-18. Review status: criteria provided, single submitter. Criteria: Invitae Variant Classification Sherloc (09022015). Collection method: clinical testing. Allele origin: germline.
Comment: This sequence change creates a premature translational stop signal (p.Cys561Leufs*5) in the HPS3 gene. It is expected to result in an absent or disrupted protein product. Loss-of-function variants in HPS3 are known to be pathogenic (PMID: 11590544). This variant is present in population databases (rs778152054, gnomAD 0.003%). This variant has not been reported in the literature in individuals affected with HPS3-related conditions. ClinVar contains an entry for this variant (Variation ID: 662551). For these reasons, this variant has been classified as Pathogenic.

Baylor Genetics
Classification: Likely pathogenic for Hermansky-Pudlak syndrome 3. Last evaluated: 2023-09-11. Review status: criteria provided, single submitter. Criteria: ACMG Guidelines, 2015. Collection method: clinical testing. Allele origin: unknown.

GeneDx
Classification: Pathogenic. Last evaluated: 2022-05-04. Review status: criteria provided, single submitter. Criteria: GeneDx Variant Classification Process June 2021. Collection method: clinical testing. Allele origin: germline. Affected: yes.
Comment: Frameshift variant predicted to result in protein truncation or nonsense mediated decay in a gene for which loss-of-function is a known mechanism of disease; Not observed at a significant frequency in large population cohorts (gnomAD); Has not been previously published as pathogenic or benign to our knowledge

UNC Molecular Genetics  Laboratory, University of North Carolina at Chapel Hill
Classification: Likely pathogenic for Hermansky-Pudlak syndrome 3. Review status: criteria provided, single submitter. Criteria: ACMG Guidelines, 2015. Collection method: research. Allele origin: germline. Affected: no. Observed: 1 variant allele. Study: NSIGHT-NC NEXUS.
Comment: HPS3 c.1682_1683delGT (p.C561fs) is a frameshift deletion of two nucleotides that is predicted to result in an nonfunctional HPS3 protein. This variant has not been described previously in the literature.

carrier finding

Literature cited by the submitters: PubMed 11590544 (cited by Labcorp Genetics (formerly Invitae), Labcorp).